The following is an entry in ClinVar:

NM_001377265.1(MAPT):c.807A>C (p.Gly269=)

Gene: MAPT (microtubule associated protein tau). Cytogenetic location: 17q21.31.
Variant type: single nucleotide variant.
Coding change: c.807A>C on transcript NM_001377265.1 (MANE Select); coding-DNA position 807, A replaced by C.
Protein change: p.Gly269=; no amino-acid change (glycine 269 retained).
Molecular consequence: synonymous variant. On other transcripts: intron variant (8).
Genome position (GRCh38, 1-based): chr17:45,983,386, A>C. VCF-style: chr17-45983386-A-C. GRCh37 (hg19) VCF-style: chr17-44060752-A-C.
Other names: c.582A>C, p.Gly194= (NM_001123066.4, NM_016835.5); c.807A>C, p.Gly269= (NM_001377266.1); c.200-3654A>C (NM_001377268.1, NM_016834.5, NM_016841.5); c.374-3654A>C (NM_005910.6, NM_001203252.2); c.287-3654A>C (NM_001123067.4, NM_001203251.2, NM_001377267.1).
Identifiers: ClinVar variation 5041815 (VCV005041815.1).

ClinVar aggregate classification (germline): Likely benign (1 of 4 stars; one submission).

gnomAD v4.1: 3 of 1,608,052 alleles (0.00019%); highest among the groups gnomAD compares: Non-Finnish European, 0.00025%; no homozygotes.

Submission:

CeGaT Center for Human Genetics Tuebingen
Classification: Likely benign. Last evaluated: 2026-09-01. Review status: criteria provided, single submitter. Criteria: CeGaT Center For Human Genetics Tuebingen Variant Classification Criteria Version 2. Collection method: clinical testing. Allele origin: germline. Affected: yes. Observed: 1 variant allele.
Comment: MAPT: BP4, BP7